The following is an entry in ClinVar:

NM_032608.7(MYO18B):c.7629C>T (p.Pro2543=)

Gene: MYO18B (myosin XVIIIB; plus strand). Cytogenetic location: 22q12.1.
Variant type: single nucleotide variant.
Coding change: c.7629C>T on transcript NM_032608.7 (MANE Select); coding-DNA position 7629, C replaced by T.
Protein change: p.Pro2543=; no amino-acid change (proline 2543 retained).
Molecular consequence: synonymous variant.
Genome position (GRCh38, 1-based): chr22:26,027,603, C>T. VCF-style: chr22-26027603-C-T. GRCh37 (hg19) VCF-style: chr22-26423569-C-T.
Other names: c.7632C>T, p.Pro2544= (NM_001318245.2).
Identifiers: ClinVar variation 746693 (VCV000746693.13), dbSNP rs370839729, ClinGen allele CA10161831.
Genomic context (GRCh38, chr22:26,027,603, plus strand): 5'-CATCAAAAGTCGACCAGGAATCCCACGACTTGCGGGTGACGGTGGCGAGCGAACGTCCCC[C>T]GAGCGGAGAGAGCCAGGGACGGGGAGGAAAGACGACGATGTTGCGAGCATAATGAAGAAA-3'
Protein context (NP_115997.5, residues 2533-2553): LAGDGGERTS[Pro2543=]ERREPGTGRK

ClinVar aggregate classification (germline): Likely benign. Review status: criteria provided, multiple submitters, no conflicts (2 of 4 stars). 4 submissions from 4 submitters: Likely benign (3). 1 of the submissions does not count toward it. Last evaluated 2026-02-01.

Conditions:
MYO18B-related disorder. Also called: MYO18B-related condition.

Allele frequency attached by ClinVar (database versions not stated): TOPMed 0.00016; ExAC 0.00019; gnomAD exomes 0.00022; ESP Exome Variant Server 0.00025; gnomAD 0.00025 and 0.00026.
gnomAD v4.1: 265 of 1,613,692 alleles (0.016%); highest among the groups gnomAD compares: East Asian, 0.1%; 1 homozygote.

Submissions (4):

Labcorp Genetics (formerly Invitae), Labcorp
Classification: Likely benign. Last evaluated: 2026-02-01. Review status: criteria provided, single submitter. Criteria: Invitae Variant Classification Sherloc (09022015). Collection method: clinical testing. Allele origin: germline.

Laboratory of Genetics, Children's Clinical University Hospital Latvia
Classification: Likely benign. Last evaluated: 2025-02-16. Review status: criteria provided, single submitter. Criteria: ACMG Guidelines, 2015. Collection method: clinical testing. Allele origin: germline. Affected: yes.

Blueprint Genetics
Classification: Likely benign. Last evaluated: 2024-07-10. Review status: criteria provided, single submitter. Criteria: ACMG Guidelines, 2015. Collection method: clinical testing. Allele origin: germline.

PreventionGenetics, part of Exact Sciences
Classification: Likely benign for MYO18B-related condition. Last evaluated: 2019-02-22. Review status: no assertion criteria provided. Collection method: clinical testing. Allele origin: germline. Not counted in ClinVar's aggregate classification.
Comment: This variant is classified as likely benign based on ACMG/AMP sequence variant interpretation guidelines (Richards et al. 2015 PMID: 25741868, with internal and published modifications).